The following is an entry in ClinVar:

ClinVar aggregate classification (germline): Uncertain significance (1 of 4 stars; one submission).

Conditions:
Immunodeficiency 39 (IMD39). Identifiers: Orphanet 574918, MedGen C4225358, MONDO:0014597, OMIM 616345.

Submission:

Labcorp Genetics (formerly Invitae), Labcorp
Classification: Uncertain significance for Immunodeficiency 39. Last evaluated: 2021-03-20. Review status: criteria provided, single submitter. Criteria: Invitae Variant Classification Sherloc (09022015). Collection method: clinical testing. Allele origin: germline.
Comment: In summary, the available evidence is currently insufficient to determine the role of this variant in disease. Therefore, it has been classified as a Variant of Uncertain Significance. Algorithms developed to predict the effect of missense changes on protein structure and function (SIFT, PolyPhen-2, Align-GVGD) all suggest that this variant is likely to be tolerated, but these predictions have not been confirmed by published functional studies and their clinical significance is uncertain. This variant has not been reported in the literature in individuals with IRF7-related conditions. The frequency data for this variant in the population databases is considered unreliable, as metrics indicate insufficient coverage at this position in the ExAC database. This sequence change replaces leucine with glutamine at codon 141 of the IRF7 protein (p.Leu141Gln). The leucine residue is weakly conserved and there is a moderate physicochemical difference between leucine and glutamine.

NM_001572.5(IRF7):c.383T>A (p.Leu128Gln)

Gene: IRF7 (interferon regulatory factor 7; minus strand). Cytogenetic location: 11p15.5.
Variant type: single nucleotide variant.
Coding change: c.383T>A on transcript NM_001572.5 (MANE Select); coding-DNA position 383, T replaced by A.
Protein change: p.Leu128Gln; replaces leucine 128 with glutamine.
Molecular consequence: missense variant.
Genome position (GRCh38, 1-based): chr11:614,808, A>T on the plus strand (T>A on the coding strand, the complement: IRF7 is on the minus strand). VCF-style: chr11-614808-A-T. GRCh37 (hg19) VCF-style: chr11-614808-A-T.
Other names: c.383T>A, p.Leu128Gln (NM_004029.4); c.422T>A, p.Leu141Gln (NM_004031.4); short protein forms L141Q, L128Q.
Identifiers: ClinVar variation 1478601 (VCV001478601.8), dbSNP rs2133147161, ClinGen allele CA378982823.